The following is an entry in ClinVar:

NM_000059.4(BRCA2):c.-18G>C

Gene: BRCA2 (BRCA2 DNA repair associated; plus strand). Cytogenetic location: 13q13.1.
Variant type: single nucleotide variant.
Coding change: c.-18G>C on transcript NM_000059.4 (MANE Select); 18 bases upstream of the start codon, G replaced by C.
Molecular consequence: 5 prime UTR variant.
Genome position (GRCh38, 1-based): chr13:32,316,443, G>C. VCF-style: chr13-32316443-G-C. GRCh37 (hg19) VCF-style: chr13-32890580-G-C.
Identifiers: ClinVar variation 932192 (VCV000932192.1), dbSNP rs1593880555, ClinGen allele CA1139663043.
Genomic context (GRCh38, chr13:32,316,443, plus strand): 5'-CATCCCTGTGTAAGTGCATTTTGGTCTTCTGTTTTGCAGACTTATTTACCAAGCATTGGA[G>C]GAATATCGTAGGTAAAAATGCCTATTGGATCCAAAGAGAGGCCAACATTTTTTGAAATTT-3'

ClinVar aggregate classification (germline): Uncertain significance (1 of 4 stars; one submission).

Allele frequency attached by ClinVar (database versions not stated): TOPMed below 0.00001.

Submission:

Women's Health and Genetics/Laboratory Corporation of America, LabCorp
Classification: Uncertain significance. Last evaluated: 2020-05-26. Review status: criteria provided, single submitter. Criteria: LabCorp Variant Classification Summary - May 2015. Collection method: clinical testing. Allele origin: germline.
Comment: Variant summary: BRCA2 c.-18G>C is located in the untranslated mRNA region upstream of the initiation codon. The variant was absent in 251086 control chromosomes (gnomAD). The available data on variant occurrences in the general population are insufficient to allow any conclusion about variant significance. To our knowledge, no occurrence of c.-18G>C in individuals affected with Hereditary Breast And Ovarian Cancer Syndrome and no experimental evidence demonstrating its impact on protein function have been reported. No clinical diagnostic laboratories have submitted clinical-significance assessments for this variant to ClinVar after 2014. Based on the evidence outlined above, the variant was classified as uncertain significance.